The following is an entry in ClinVar:

ClinVar aggregate classification (germline): Likely benign. Review status: criteria provided, multiple submitters, no conflicts (2 of 4 stars). 2 submissions from 2 submitters: Likely benign (2). Last evaluated 2018-07-26.

Conditions:
Lafora disease. Also called: Epilepsy progressive myoclonic 2. Identifiers: Orphanet 501, MedGen C0751783, MONDO:0009697.

Allele frequency attached by ClinVar (database versions not stated): gnomAD 0.00326 and 0.00352; 1000 Genomes Project 0.00379; TOPMed 0.00379; 1000 Genomes Project 30x 0.00406.

Submissions (2):

GeneDx
Classification: Likely benign. Last evaluated: 2018-07-26. Review status: criteria provided, single submitter. Criteria: GeneDx Variant Classification Process June 2021. Collection method: clinical testing. Allele origin: germline. Affected: yes.

Illumina Laboratory Services, Illumina
Classification: Likely benign for Myoclonic epilepsy of Lafora 1. Last evaluated: 2018-01-12. Review status: criteria provided, single submitter. Criteria: ICSL Variant Classification Criteria 13 December 2019. Collection method: clinical testing. Allele origin: germline.
Comment: This variant was observed in the ICSL laboratory as part of a predisposition screen in an ostensibly healthy population. It had not been previously curated by ICSL or reported in the Human Gene Mutation Database (HGMD: prior to June 1st, 2018), and was therefore a candidate for classification through an automated scoring system. Utilizing variant allele frequency, disease prevalence and penetrance estimates, and inheritance mode, an automated score was calculated to assess if this variant is too frequent to cause the disease. Based on the score and internal cut-off values, a variant classified as likely benign is not then subjected to further curation. The score for this variant resulted in a classification of likely benign for this disease.

NM_198586.3(NHLRC1):c.*320G>A

Gene: NHLRC1 (NHL repeat containing E3 ubiquitin protein ligase 1; minus strand). Cytogenetic location: 6p22.3.
Variant type: single nucleotide variant.
Coding change: c.*320G>A on transcript NM_198586.3 (MANE Select); 320 bases downstream of the stop codon, G replaced by A.
Molecular consequence: 3 prime UTR variant.
Genome position (GRCh38, 1-based): chr6:18,121,099, C>T on the plus strand (G>A on the coding strand, the complement: NHLRC1 is on the minus strand). VCF-style: chr6-18121099-C-T. GRCh37 (hg19) VCF-style: chr6-18121330-C-T.
Identifiers: ClinVar variation 356072 (VCV000356072.8), dbSNP rs79197160, ClinGen allele CA10621755.